The following is an entry in ClinVar:

ClinVar aggregate classification (germline): Conflicting classifications of pathogenicity. Review status: criteria provided, conflicting classifications (1 of 4 stars). 3 submissions from 3 submitters: Uncertain significance (2); Likely benign (1). Last evaluated 2026-01-28.

Conditions:
Neuroblastoma, susceptibility to, 3. Also called: ALK-Related Neuroblastic Tumor Susceptibility. Identifiers: Orphanet 635, MedGen C2751681, MONDO:0013083, OMIM 613014.
Hereditary cancer-predisposing syndrome. Also called: Neoplastic Syndromes, Hereditary; Hereditary neoplastic syndrome; Hereditary Cancer Syndrome; Tumor predisposition. Identifiers: Orphanet 140162, MedGen C0027672, MeSH D009386, MONDO:0015356.

Allele frequency attached by ClinVar (database versions not stated): gnomAD exomes 0.00001; gnomAD 0.00002; TOPMed 0.00002.

Submissions (3):

Labcorp Genetics (formerly Invitae), Labcorp
Classification: Uncertain significance for Neuroblastoma, susceptibility to, 3. Last evaluated: 2026-01-28. Review status: criteria provided, single submitter. Criteria: Invitae Variant Classification Sherloc (09022015). Collection method: clinical testing. Allele origin: germline.
Comment: This sequence change replaces threonine, which is neutral and polar, with alanine, which is neutral and non-polar, at codon 1026 of the ALK protein (p.Thr1026Ala). This variant is present in population databases (no rsID available, gnomAD 0.007%). This variant has not been reported in the literature in individuals affected with ALK-related conditions. ClinVar contains an entry for this variant (Variation ID: 657588). An algorithm developed to predict the effect of missense changes on protein structure and function (PolyPhen-2) suggests that this variant is likely to be tolerated. In summary, the available evidence is currently insufficient to determine the role of this variant in disease. Therefore, it has been classified as a Variant of Uncertain Significance.

Ambry Genetics
Classification: Likely benign for Hereditary cancer-predisposing syndrome. Last evaluated: 2025-01-02. Review status: criteria provided, single submitter. Criteria: Ambry Variant Classification Scheme 2023. Collection method: clinical testing. Allele origin: germline.

Baylor Genetics
Classification: Uncertain significance for Neuroblastoma, susceptibility to, 3. Last evaluated: 2023-06-09. Review status: criteria provided, single submitter. Criteria: ACMG Guidelines, 2015. Collection method: clinical testing. Allele origin: unknown.

NM_004304.5(ALK):c.3076A>G (p.Thr1026Ala)

Gene: ALK (ALK receptor tyrosine kinase; minus strand). Cytogenetic location: 2p23.2.
Variant type: single nucleotide variant.
Coding change: c.3076A>G on transcript NM_004304.5 (MANE Select); coding-DNA position 3076, A replaced by G.
Protein change: p.Thr1026Ala; replaces threonine 1026 with alanine.
Molecular consequence: missense variant.
Genome position (GRCh38, 1-based): chr2:29,225,557, T>C on the plus strand (A>G on the coding strand, the complement: ALK is on the minus strand). VCF-style: chr2-29225557-T-C. GRCh37 (hg19) VCF-style: chr2-29448423-T-C.
Other names: short protein forms T1026A.
Identifiers: ClinVar variation 657588 (VCV000657588.15), dbSNP rs781515382, ClinGen allele CA346467083.